The following is an entry in ClinVar:

ClinVar aggregate classification (germline): Uncertain significance. Review status: criteria provided, multiple submitters, no conflicts (2 of 4 stars). 2 submissions from 2 submitters: Uncertain significance (2). Last evaluated 2025-01-17.

Conditions:
Familial cancer of breast. Also called: Hereditary breast cancer; BREAST CANCER, FAMILIAL; hereditary breast carcinoma. Identifiers: Orphanet 227535, MedGen C0346153, MONDO:0016419, OMIM 114480. Disease mechanism: loss of function.
Ataxia-telangiectasia syndrome (AT). Also called: Ataxia telangiectasia (A-T); Ataxia-telangiectasia, complementation group D; AT, COMPLEMENTATION GROUP C; ATAXIA-TELANGIECTASIA, COMPLEMENTATION GROUP A; Ataxia-telangiectasia, complementation group E; ATAXIA-TELANGIECTASIA, FRESNO VARIANT. Identifiers: Orphanet 100, MedGen C0004135, MONDO:0008840, OMIM 208900.

Submissions (2):

Labcorp Genetics (formerly Invitae), Labcorp
Classification: Uncertain significance for Ataxia-telangiectasia syndrome. Last evaluated: 2025-01-17. Review status: criteria provided, single submitter. Criteria: Invitae Variant Classification Sherloc (09022015). Collection method: clinical testing. Allele origin: germline.
Comment: This sequence change replaces glutamic acid, which is acidic and polar, with glutamine, which is neutral and polar, at codon 586 of the ATM protein (p.Glu586Gln). This variant is not present in population databases (gnomAD no frequency). This variant has not been reported in the literature in individuals affected with ATM-related conditions. ClinVar contains an entry for this variant (Variation ID: 566245). Invitae Evidence Modeling of protein sequence and biophysical properties (such as structural, functional, and spatial information, amino acid conservation, physicochemical variation, residue mobility, and thermodynamic stability) indicates that this missense variant is not expected to disrupt ATM protein function with a negative predictive value of 95%. Algorithms developed to predict the effect of sequence changes on RNA splicing suggest that this variant may create or strengthen a splice site. In summary, the available evidence is currently insufficient to determine the role of this variant in disease. Therefore, it has been classified as a Variant of Uncertain Significance.

KCCC/NGS Laboratory, Kuwait Cancer Control Center
Classification: Uncertain significance for Familial cancer of breast. Last evaluated: 2024-11-03. Review status: criteria provided, single submitter. Criteria: ACMG Guidelines, 2015. Collection method: clinical testing. Allele origin: germline. Inheritance: Autosomal dominant inheritance. Affected: yes. Observed: 1 heterozygote.
Comment: This sequence change replaces glutamic acid with glutamine at codon 586 of the ATM protein (p.Glu586Gln). The glutamic acid residue is moderately conserved (PhyloP=6.7). This variant is not present in population databases (gnomAD). This variant has not been reported in the literature in individuals with ATM-related disease. In silico prediction showing conflicting pathogenicity . In summary, the available evidence is currently insufficient to determine the role of this variant in disease. Therefore, it has been classified as a Variant of Uncertain Significance. Pathogenic/likely pathogenic mutations in the ATM gene cause susceptibility to breast cancer (OMIM 114480).

NM_000051.4(ATM):c.1756G>C (p.Glu586Gln)

Gene: ATM (ATM serine/threonine kinase; plus strand). Cytogenetic location: 11q22.3.
Variant type: single nucleotide variant.
Coding change: c.1756G>C on transcript NM_000051.4 (MANE Select); coding-DNA position 1756, G replaced by C.
Protein change: p.Glu586Gln; replaces glutamic acid 586 with glutamine.
Molecular consequence: missense variant.
Genome position (GRCh38, 1-based): chr11:108,251,985, G>C. VCF-style: chr11-108251985-G-C. GRCh37 (hg19) VCF-style: chr11-108122712-G-C.
Other names: c.1756G>C, p.Glu586Gln (NM_001351834.2); short protein forms E586Q.
Identifiers: ClinVar variation 566245 (VCV000566245.9), dbSNP rs1565386004, ClinGen allele CA382535396.
Genomic context (GRCh38, chr11:108,251,985, plus strand): 5'-GTAAATAGAAGCTTTTCTTTAAAGGAATCAATAATGAAATGGCTCTTATTCTATCAGTTA[G>C]AGGGTGACTTAGAAAATAGCACAGAAGTGCCTCCAATTCTTCACAGGTAATTTAAGTTCA-3'
Protein context (NP_000042.3, residues 576-596): IMKWLLFYQL[Glu586Gln]GDLENSTEVP